The following is an entry in ClinVar:

NM_199242.3(UNC13D):c.1831G>C (p.Ala611Pro)

Gene: UNC13D (unc-13 homolog D; minus strand). Cytogenetic location: 17q25.1.
Variant type: single nucleotide variant.
Coding change: c.1831G>C on transcript NM_199242.3 (MANE Select); coding-DNA position 1831, G replaced by C.
Protein change: p.Ala611Pro; replaces alanine 611 with proline.
Molecular consequence: missense variant.
Genome position (GRCh38, 1-based): chr17:75,835,426, C>G on the plus strand (G>C on the coding strand, the complement: UNC13D is on the minus strand). VCF-style: chr17-75835426-C-G. GRCh37 (hg19) VCF-style: chr17-73831507-C-G.
Other names: short protein forms A611P.
Identifiers: ClinVar variation 4763327 (VCV004763327.1).
Genomic context (GRCh38, chr17:75,835,426, plus strand): 5'-CCCCAAACCGGGGCCCCGCCCCCTGCCCTGGCCACGCCCCCACCTCATCCATCTGCACAG[C>G]GCGCTGCACCCGCGCCAGGGCCTCGTTGTACGTCTTCTGCAGCCAGGAGGGGATGGCCGG-3'
Protein context (NP_954712.1, residues 601-621): YNEALARVQR[Ala611Pro]VQMDELVPLG

ClinVar aggregate classification (germline): Uncertain significance (1 of 4 stars; one submission).

Conditions:
Familial hemophagocytic lymphohistiocytosis 3 (FHL3). Also called: UNC13D-Related Familial Hemophagocytic Lymphohistiocytosis (UNC13D-fHLH). Identifiers: Orphanet 540, MedGen C1837174, MONDO:0012146, OMIM 608898.

Submission:

Labcorp Genetics (formerly Invitae), Labcorp
Classification: Uncertain significance for Familial hemophagocytic lymphohistiocytosis 3. Last evaluated: 2025-09-12. Review status: criteria provided, single submitter. Criteria: Invitae Variant Classification Sherloc (09022015). Collection method: clinical testing. Allele origin: germline.
Comment: This sequence change replaces alanine, which is neutral and non-polar, with proline, which is neutral and non-polar, at codon 611 of the UNC13D protein (p.Ala611Pro). This variant is not present in population databases (gnomAD no frequency). This variant has not been reported in the literature in individuals affected with UNC13D-related conditions. Invitae Evidence Modeling of protein sequence and biophysical properties (such as structural, functional, and spatial information, amino acid conservation, physicochemical variation, residue mobility, and thermodynamic stability) indicates that this missense variant is expected to disrupt UNC13D protein function with a positive predictive value of 80%. In summary, the available evidence is currently insufficient to determine the role of this variant in disease. Therefore, it has been classified as a Variant of Uncertain Significance.